The following is an entry in ClinVar:

ClinVar aggregate classification (germline): Uncertain significance. Review status: criteria provided, multiple submitters, no conflicts (2 of 4 stars). 2 submissions from 2 submitters: Uncertain significance (2). Last evaluated 2025-02-04.

Allele frequency attached by ClinVar (database versions not stated): ExAC 0.00001; gnomAD exomes 0.00001; gnomAD 0.00002 and 0.00003; TOPMed 0.00003.

Submissions (2):

Labcorp Genetics (formerly Invitae), Labcorp
Classification: Uncertain significance. Last evaluated: 2025-02-04. Review status: criteria provided, single submitter. Criteria: Invitae Variant Classification Sherloc (09022015). Collection method: clinical testing. Allele origin: germline.
Comment: This sequence change replaces arginine, which is basic and polar, with glutamine, which is neutral and polar, at codon 163 of the SLC1A3 protein (p.Arg163Gln). This variant is present in population databases (rs780020363, gnomAD 0.006%). This variant has not been reported in the literature in individuals affected with SLC1A3-related conditions. ClinVar contains an entry for this variant (Variation ID: 871190). An algorithm developed to predict the effect of missense changes on protein structure and function outputs the following: PolyPhen-2: "Benign". The glutamine amino acid residue is found in multiple mammalian species, which suggests that this missense change does not adversely affect protein function. In summary, the available evidence is currently insufficient to determine the role of this variant in disease. Therefore, it has been classified as a Variant of Uncertain Significance.

CeGaT Center for Human Genetics Tuebingen
Classification: Uncertain significance. Last evaluated: 2019-12-01. Review status: criteria provided, single submitter. Criteria: CeGaT Center For Human Genetics Tuebingen Variant Classification Criteria Version 2. Collection method: clinical testing. Allele origin: germline. Affected: yes. Observed: 1 variant allele.

NM_004172.5(SLC1A3):c.488G>A (p.Arg163Gln)

Genes: SLC1A3 (solute carrier family 1 member 3; plus strand), SLC1A3-AS1 (SLC1A3 antisense RNA 1; minus strand). Cytogenetic location: 5p13.2.
Variant type: single nucleotide variant.
Coding change: c.488G>A on transcript NM_004172.5 (MANE Select); coding-DNA position 488, G replaced by A.
Protein change: p.Arg163Gln; replaces arginine 163 with glutamine.
Molecular consequence: missense variant.
Genome position (GRCh38, 1-based): chr5:36,671,197, G>A. VCF-style: chr5-36671197-G-A. GRCh37 (hg19) VCF-style: chr5-36671299-G-A.
Other names: c.488G>A, p.Arg163Gln (NM_001166695.3, NM_001289940.2); c.350G>A, p.Arg117Gln (NM_001289939.2); short protein forms R117Q, R163Q.
Identifiers: ClinVar variation 871190 (VCV000871190.43), dbSNP rs780020363, ClinGen allele CA3235460.